The following is an entry in ClinVar:

NM_001367624.2(ZNF469):c.2463C>G (p.Ala821=)

Gene: ZNF469 (zinc finger protein 469; plus strand). Cytogenetic location: 16q24.2.
Variant type: single nucleotide variant.
Coding change: c.2463C>G on transcript NM_001367624.2 (MANE Select); coding-DNA position 2463, C replaced by G.
Protein change: p.Ala821=; no amino-acid change (alanine 821 retained).
Molecular consequence: synonymous variant.
Genome position (GRCh38, 1-based): chr16:88,429,933, C>G. VCF-style: chr16-88429933-C-G. GRCh37 (hg19) VCF-style: chr16-88496341-C-G.
Other names: p.Ala821=.
Identifiers: ClinVar variation 3691096 (VCV003691096.3).

ClinVar aggregate classification (germline): Likely benign. Review status: criteria provided, multiple submitters, no conflicts (2 of 4 stars). 2 submissions from 2 submitters: Likely benign (2). Last evaluated 2025-10-07.

gnomAD v4.1: 1 of 1,550,204 alleles (0.000065%); highest among the groups gnomAD compares: Non-Finnish European, 0.000087%; no homozygotes.

Submissions (2):

Mayo Clinic Laboratories, Mayo Clinic
Classification: Likely benign. Last evaluated: 2025-10-07. Review status: criteria provided, single submitter. Criteria: ACMG Guidelines, 2015. Collection method: clinical testing. Allele origin: germline. Observed: 1 variant allele.
Comment: BP4, BP7, PM2_supporting

Labcorp Genetics (formerly Invitae), Labcorp
Classification: Likely benign. Last evaluated: 2024-03-19. Review status: criteria provided, single submitter. Criteria: Invitae Variant Classification Sherloc (09022015). Collection method: clinical testing. Allele origin: germline.